The following is an entry in ClinVar:

ClinVar aggregate classification (germline): Uncertain significance (1 of 4 stars; one submission).

Conditions:
Inborn genetic diseases. Identifiers: MedGen C0950123, MeSH D030342.

Submission:

Ambry Genetics
Classification: Uncertain significance for Inborn genetic diseases. Last evaluated: 2025-02-18. Review status: criteria provided, single submitter. Criteria: Ambry Variant Classification Scheme 2023. Collection method: clinical testing. Allele origin: germline.
Comment: The c.5758A>G (p.M1920V) alteration is located in exon 24 (coding exon 24) of the ATRX gene. This alteration results from a A to G substitution at nucleotide position 5758, causing the methionine (M) at amino acid position 1920 to be replaced by a valine (V). This variant was not reported in population-based cohorts in the Genome Aggregation Database (gnomAD). This amino acid position is well conserved in available vertebrate species. This amino acid alteration is predicted to be tolerated by in silico analysis. In silico splice site analysis predicts that this nucleotide alteration will result in the creation or strengthening of a novel splice donor site. Based on insufficient or conflicting evidence, the clinical significance of this alteration remains unclear.

NM_000489.6(ATRX):c.5758A>G (p.Met1920Val)

Gene: ATRX (ATRX chromatin remodeler; minus strand). Cytogenetic location: Xq21.1.
Variant type: single nucleotide variant.
Coding change: c.5758A>G on transcript NM_000489.6 (MANE Select); coding-DNA position 5758, A replaced by G.
Protein change: p.Met1920Val; replaces methionine 1920 with valine.
Molecular consequence: missense variant.
Genome position (GRCh38, 1-based): chrX:77,599,760, T>C on the plus strand (A>G on the coding strand, the complement: ATRX is on the minus strand). VCF-style: chrX-77599760-T-C. GRCh37 (hg19) VCF-style: chrX-76855229-T-C.
Other names: c.5644A>G, p.Met1882Val (NM_138270.5); short protein forms M1920V, M1882V.
Identifiers: ClinVar variation 3811349 (VCV003811349.1).